The following is an entry in ClinVar:

NM_001035.3(RYR2):c.10973C>G (p.Thr3658Ser)

Gene: RYR2 (ryanodine receptor 2; plus strand). Cytogenetic location: 1q43.
Variant type: single nucleotide variant.
Coding change: c.10973C>G on transcript NM_001035.3 (MANE Select); coding-DNA position 10973, C replaced by G.
Protein change: p.Thr3658Ser; replaces threonine 3658 with serine.
Molecular consequence: missense variant.
Genome position (GRCh38, 1-based): chr1:237,732,083, C>G. VCF-style: chr1-237732083-C-G. GRCh37 (hg19) VCF-style: chr1-237895383-C-G.
Other names: c.10973C>G, p.Thr3658Ser (LRG_402t1); short protein forms T3658S.
Identifiers: ClinVar variation 518478 (VCV000518478.17), dbSNP rs766499417, ClinGen allele CA084642.

ClinVar aggregate classification (germline): Conflicting classifications of pathogenicity. Review status: criteria provided, conflicting classifications (1 of 4 stars). 6 submissions from 6 submitters: Uncertain significance (5); Likely benign (1). Last evaluated 2025-08-27.

Conditions:
Cardiovascular phenotype. Identifiers: MedGen CN230736.
Ventricular arrhythmias due to cardiac ryanodine receptor calcium release deficiency syndrome. Also called: Autosomal dominant cardiac arrhythmia (Kuhn). Identifiers: MedGen C5542154, MONDO:0020745, OMIM 115000.
Catecholaminergic polymorphic ventricular tachycardia 1. Also called: RYR2-Related Catecholaminergic Polymorphic Ventricular Tachycardia; VENTRICULAR TACHYCARDIA, CATECHOLAMINERGIC POLYMORPHIC, 1, WITH OR WITHOUT ATRIAL DYSFUNCTION AND/OR DILATED CARDIOMYOPATHY; VENTRICULAR TACHYCARDIA, STRESS-INDUCED POLYMORPHIC 1. Identifiers: Orphanet 3286, MedGen C1631597, MONDO:0011484, OMIM 604772.
Arrhythmogenic right ventricular dysplasia 2. Identifiers: MedGen C1832931.
Cardiomyopathy (CMYO). Also called: Cardiomyopathies. Identifiers: Orphanet 167848, MedGen C0878544, MONDO:0004994, HP:0001638. Inheritance: Various modes of inheritance.
Catecholaminergic polymorphic ventricular tachycardia (CVPT). Also called: Catecholamine-induced polymorphic ventricular tachycardia. Identifiers: Orphanet 3286, MedGen C5574922, MONDO:0017990.

Allele frequency attached by ClinVar (database versions not stated): ExAC 0.00001; gnomAD 0.00001; gnomAD exomes 0.00001 and 0.00002; TOPMed 0.00001.
gnomAD v4.1: 11 of 1,611,106 alleles (0.00068%); highest among the groups gnomAD compares: South Asian, 0.0011%; no homozygotes.

Submissions (6):

Color Diagnostics, LLC DBA Color Health
Classification: Likely benign for Cardiomyopathy. Last evaluated: 2025-08-27. Review status: criteria provided, single submitter. Criteria: ACMG Guidelines, 2015. Collection method: clinical testing. Allele origin: germline.

Women's Health and Genetics/Laboratory Corporation of America, LabCorp
Classification: Uncertain significance. Last evaluated: 2025-07-03. Review status: criteria provided, single submitter. Criteria: LabCorp Variant Classification Summary - May 2015. Collection method: clinical testing. Allele origin: germline.

Labcorp Genetics (formerly Invitae), Labcorp
Classification: Uncertain significance for Catecholaminergic polymorphic ventricular tachycardia 1. Last evaluated: 2024-04-03. Review status: criteria provided, single submitter. Criteria: Invitae Variant Classification Sherloc (09022015). Collection method: clinical testing. Allele origin: germline.
Comment: This sequence change replaces threonine, which is neutral and polar, with serine, which is neutral and polar, at codon 3658 of the RYR2 protein (p.Thr3658Ser). This variant is present in population databases (rs766499417, gnomAD 0.002%). This variant has not been reported in the literature in individuals affected with RYR2-related conditions. ClinVar contains an entry for this variant (Variation ID: 518478). Advanced modeling of protein sequence and biophysical properties (such as structural, functional, and spatial information, amino acid conservation, physicochemical variation, residue mobility, and thermodynamic stability) performed at Invitae indicates that this missense variant is not expected to disrupt RYR2 protein function with a negative predictive value of 95%. In summary, the available evidence is currently insufficient to determine the role of this variant in disease. Therefore, it has been classified as a Variant of Uncertain Significance.

All of Us Research Program, National Institutes of Health
Classification: Uncertain significance for Catecholaminergic polymorphic ventricular tachycardia. Last evaluated: 2024-01-22. Review status: criteria provided, single submitter. Criteria: ACMG Guidelines, 2015. Collection method: clinical testing. Allele origin: germline. Inheritance: Autosomal dominant inheritance. Observed: 5 variant alleles, 5 heterozygotes.
Comment: Variant of Uncertain Significance due to insufficient evidence: This missense variant replaces threonine with serine at codon 3658 of the RYR2 protein. Computational prediction tools and conservation analyses are inconclusive regarding the impact of this variant on the protein function. Computational splicing tools suggest that this variant may not impact RNA splicing. To our knowledge, functional assays have not been performed for this variant nor has this variant been reported in individuals affected with cardiovascular disorders in the literature. This variant has been identified in 3/279406 chromosomes in the general population by the Genome Aggregation Database (gnomAD). Available evidence is insufficient to determine the role of this variant in disease conclusively.

This study involves interpretation of variants in research participants for the purpose of population health screening. Participant phenotype was not available at the time of variant classification. Additional details can be found in publication PMID: 35346344, PMCID: PMC8962531

Fulgent Genetics
Classification: Uncertain significance for Ventricular arrhythmias due to cardiac ryanodine receptor calcium release deficiency syndrome; Catecholaminergic polymorphic ventricular tachycardia 1. Last evaluated: 2021-07-28. Review status: criteria provided, single submitter. Criteria: ACMG Guidelines, 2015. Collection method: clinical testing. Allele origin: unknown.

Ambry Genetics
Classification: Uncertain significance for Cardiovascular phenotype. Last evaluated: 2017-04-24. Review status: criteria provided, single submitter. Criteria: Ambry Variant Classification Scheme 2023. Collection method: clinical testing. Allele origin: germline.
Comment: The p.T3658S variant (also known as c.10973C>G), located in coding exon 78 of the RYR2 gene, results from a C to G substitution at nucleotide position 10973. The threonine at codon 3658 is replaced by serine, an amino acid with similar properties. This amino acid position is not well conserved in available vertebrate species, and serine is the reference amino acid in other vertebrate species. In addition, this alteration is predicted to be tolerated by in silico analysis. Since supporting evidence is limited at this time, the clinical significance of this alteration remains unclear.